The following is an entry in ClinVar:

ClinVar aggregate classification (germline): Likely pathogenic (1 of 4 stars; one submission).

Conditions:
Autosomal recessive limb-girdle muscular dystrophy type 2A (LGMDR1). Also called: Muscular dystrophy, limb-girdle, type 2A, Amish; LEYDEN-MOEBIUS MUSCULAR DYSTROPHY; MUSCULAR DYSTROPHY, PELVOFEMORAL; Limb-girdle muscular dystrophy, type 2A; Calpainopathy. Identifiers: Orphanet 267, MedGen C1869123, MONDO:0009675, OMIM 253600. Disease mechanism: loss of function.

Submission:

Labcorp Genetics (formerly Invitae), Labcorp
Classification: Likely pathogenic for Autosomal recessive limb-girdle muscular dystrophy type 2A. Last evaluated: 2025-05-06. Review status: criteria provided, single submitter. Criteria: Invitae Variant Classification Sherloc (09022015). Collection method: clinical testing. Allele origin: germline.
Comment: This sequence change affects an acceptor splice site in intron 5 of the CAPN3 gene. It is expected to disrupt RNA splicing. Variants that disrupt the donor or acceptor splice site typically lead to a loss of protein function (PMID: 16199547), and loss-of-function variants in CAPN3 are known to be pathogenic (PMID: 10330340, 15689361). This variant is not present in population databases (gnomAD no frequency). Disruption of this splice site has been observed in individual(s) with limb-girdle muscular dystrophy (PMID: 32994280). ClinVar contains an entry for this variant (Variation ID: 2105533). Algorithms developed to predict the effect of sequence changes on RNA splicing suggest that this variant may disrupt the consensus splice site. In summary, the currently available evidence indicates that the variant is pathogenic, but additional data are needed to prove that conclusively. Therefore, this variant has been classified as Likely Pathogenic.

Literature cited by the submitters: PubMed 16199547; PubMed 10330340; PubMed 15689361; PubMed 32994280.

NM_000070.3(CAPN3):c.802-1G>A

Gene: CAPN3 (calpain 3; plus strand). Cytogenetic location: 15q15.1.
Variant type: single nucleotide variant.
Coding change: c.802-1G>A on transcript NM_000070.3 (MANE Select); the canonical splice acceptor site of the intron before coding-DNA position 802, G replaced by A.
Molecular consequence: splice acceptor variant. On other transcripts: intron variant (1).
Genome position (GRCh38, 1-based): chr15:42,389,952, G>A. VCF-style: chr15-42389952-G-A. GRCh37 (hg19) VCF-style: chr15-42682150-G-A.
Other names: c.802-1G>A (NM_024344.2); c.801+856G>A (NM_173087.2).
Identifiers: ClinVar variation 2105533 (VCV002105533.4), dbSNP rs2548261988, ClinGen allele CA391998423.